The following is an entry in ClinVar:

ClinVar aggregate classification (germline): Conflicting classifications of pathogenicity. Review status: criteria provided, conflicting classifications (1 of 4 stars). 8 submissions from 8 submitters: Uncertain significance (2); Likely benign (4). 2 of the submissions do not count toward it. Last evaluated 2026-04-14.

Conditions:
DSP-related disorder. Also called: DSP-related condition; DSP-related disorders.
Cardiomyopathy (CMYO). Also called: Cardiomyopathies. Identifiers: Orphanet 167848, MedGen C0878544, MONDO:0004994, HP:0001638. Inheritance: Various modes of inheritance.
Arrhythmogenic right ventricular dysplasia 8 (ARVD8). Also called: Arrhythmogenic Right Ventricular Dysplasia/Cardiomyopathy 8; ARRHYTHMOGENIC RIGHT VENTRICULAR DYSPLASIA, FAMILIAL, 8; ARRHYTHMOGENIC RIGHT VENTRICULAR CARDIOMYOPATHY 8. Identifiers: MedGen C1843896, MONDO:0011831, OMIM 607450.
Arrhythmogenic cardiomyopathy with wooly hair and keratoderma. Also called: Carvajal syndrome; Dilated cardiomyopathy with woolly hair and keratoderma; PALMOPLANTAR KERATODERMA WITH LEFT VENTRICULAR CARDIOMYOPATHY AND WOOLLY HAIR; Arrhythmogenic cardiomyopathy with woolly hair and keratoderma. Identifiers: Orphanet 65282, MedGen C1854063, MONDO:0011581, OMIM 605676.

Allele frequency attached by ClinVar (database versions not stated): ExAC 0.00004; gnomAD exomes 0.00004; gnomAD 0.00005; TOPMed 0.00006; ESP Exome Variant Server 0.00015.
gnomAD v4.1: 60 of 1,612,158 alleles (0.0037%); highest among the groups gnomAD compares: Non-Finnish European, 0.0048%; no homozygotes.

Submissions (9):

PreventionGenetics, part of Exact Sciences
Classification: Likely benign for DSP-related condition. Last evaluated: 2026-04-14. Review status: criteria provided, single submitter. Criteria: ACMG Guidelines, 2015. Collection method: clinical testing. Allele origin: germline.
Comment: This variant is classified as likely benign based on ACMG/AMP sequence variant interpretation guidelines (Richards et al. 2015 PMID: 25741868, with internal and published modifications).

Women's Health and Genetics/Laboratory Corporation of America, LabCorp
Classification: Likely benign. Last evaluated: 2026-04-06. Review status: criteria provided, single submitter. Criteria: LabCorp Variant Classification Summary - May 2015. Collection method: clinical testing. Allele origin: germline.

Labcorp Genetics (formerly Invitae), Labcorp
Classification: Likely benign for Arrhythmogenic cardiomyopathy with wooly hair and keratoderma; Arrhythmogenic right ventricular dysplasia 8. Last evaluated: 2026-01-28. Review status: criteria provided, single submitter. Criteria: Invitae Variant Classification Sherloc (09022015). Collection method: clinical testing. Allele origin: germline.

GeneDx
Classification: Uncertain significance. Last evaluated: 2021-07-14. Review status: criteria provided, single submitter. Criteria: GeneDx Variant Classification Process June 2021. Collection method: clinical testing. Allele origin: germline. Affected: yes.
Comment: Has not been previously published as pathogenic or benign to our knowledge; In-silico analysis, which includes splice predictors and evolutionary conservation, is inconclusive as to whether the variant alters gene splicing. In the absence of RNA/functional studies, the actual effect of this sequence change is unknown.; This variant is associated with the following publications: (PMID: 27535533)

Color Diagnostics, LLC DBA Color Health
Classification: Likely benign for Cardiomyopathy. Last evaluated: 2018-11-16. Review status: criteria provided, single submitter. Criteria: ACMG Guidelines, 2015. Collection method: clinical testing. Allele origin: germline.

Laboratory for Molecular Medicine, Mass General Brigham Personalized Medicine
Classification: Uncertain significance. Last evaluated: 2012-05-25. Review status: criteria provided, single submitter. Criteria: LMM Criteria. Collection method: clinical testing. Allele origin: germline. Observed: 1 variant allele.
Comment: The 727-10T>G variant (DSP) has been identified in 1/7020 European American chro mosomes from a broad population by the NHLBI Exome Sequencing Project (s.). This variant is located in the 3' splice region. Compu tational tools do not provide strong support for or against an impact to splicin g. Additional studies are needed to fully assess the clinical significance of th e 727-10T>G variant.

Clinical Genetics, Academic Medical Center
Classification: Benign. Review status: no assertion criteria provided. Collection method: clinical testing. Allele origin: germline. Affected: yes. Study: VKGL Data-share Consensus. Not counted in ClinVar's aggregate classification.

Dr. Peter K. Rogan Lab, Western University
No classification provided (evidence only). Condition: Familial pancreatic carcinoma. Review status: no classification provided. Collection method: in vitro. Allele origin: not applicable. Functional consequence: skipped exon, retained intron. Not counted in ClinVar's aggregate classification.

Joint Genome Diagnostic Labs from Nijmegen and Maastricht, Radboudumc and MUMC+
Classification: Likely benign. Review status: no assertion criteria provided. Collection method: clinical testing. Allele origin: germline. Affected: yes. Study: VKGL Data-share Consensus. Not counted in ClinVar's aggregate classification.

NM_004415.4(DSP):c.727-10T>G

Gene: DSP (desmoplakin; plus strand). Cytogenetic location: 6p24.3.
Variant type: single nucleotide variant.
Coding change: c.727-10T>G on transcript NM_004415.4 (MANE Select); 10 bases into the intron before coding-DNA position 727, T replaced by G.
Molecular consequence: intron variant.
Genome position (GRCh38, 1-based): chr6:7,563,726, T>G. VCF-style: chr6-7563726-T-G. GRCh37 (hg19) VCF-style: chr6-7563959-T-G.
Other names: c.727-10T>G (NM_001319034.2, NM_001008844.3, NM_004415.3).
Identifiers: ClinVar variation 44949 (VCV000044949.26), dbSNP rs375327581, ClinGen allele CA007167.
Genomic context (GRCh38, chr6:7,563,726, plus strand): 5'-TAGAAGGGCCACTCTTTTCTATACAATCCACAAGGGGATTTATATCTACCTGCTTTTTGT[T>G]GTCTTCTAGCGCGAGAAATCTGCGATCTACCAGTTGGAGGAGGAGTATGAAAACCTGCTG-3'